The following is an entry in ClinVar:

NM_001458.5(FLNC):c.5821C>T (p.Pro1941Ser)

Genes: FLNC (filamin C; plus strand), FLNC-AS1 (FLNC antisense RNA 1; minus strand). Cytogenetic location: 7q32.1.
Variant type: single nucleotide variant.
Coding change: c.5821C>T on transcript NM_001458.5 (MANE Select); coding-DNA position 5821, C replaced by T.
Protein change: p.Pro1941Ser; replaces proline 1941 with serine.
Molecular consequence: missense variant.
Genome position (GRCh38, 1-based): chr7:128,851,607, C>T. VCF-style: chr7-128851607-C-T. GRCh37 (hg19) VCF-style: chr7-128491661-C-T.
Other names: c.5722C>T, p.Pro1908Ser (NM_001127487.2); short protein forms P1908S, P1941S.
Identifiers: ClinVar variation 1749899 (VCV001749899.5), dbSNP rs2536656675, ClinGen allele CA369208600.

ClinVar aggregate classification (germline): Uncertain significance. Review status: criteria provided, multiple submitters, no conflicts (2 of 4 stars). 2 submissions from 2 submitters: Uncertain significance (2). Last evaluated 2025-12-07.

Conditions:
Cardiovascular phenotype. Identifiers: MedGen CN230736.
Distal myopathy with posterior leg and anterior hand involvement. Also called: WILLIAMS DISTAL MYOPATHY. Identifiers: Orphanet 63273, MedGen C3279722, MONDO:0013550, OMIM 614065.
Hypertrophic cardiomyopathy 26. Also called: Cardiomyopathy, familial hypertrophic, 26. Identifiers: Orphanet 75249, MedGen C4310749, MONDO:0014883, OMIM 617047.
Myofibrillar myopathy 5. Also called: Filaminopathy (type); FILAMINOPATHY, AUTOSOMAL DOMINANT. Identifiers: Orphanet 171445, MedGen C1836050, MONDO:0012289, OMIM 609524.

Submissions (2):

Ambry Genetics
Classification: Uncertain significance for Cardiovascular phenotype. Last evaluated: 2025-12-07. Review status: criteria provided, single submitter. Criteria: Ambry Variant Classification Scheme 2023. Collection method: clinical testing. Allele origin: germline.
Comment: The p.P1941S variant (also known as c.5821C>T), located in coding exon 35 of the FLNC gene, results from a C to T substitution at nucleotide position 5821. The proline at codon 1941 is replaced by serine, an amino acid with similar properties. This amino acid position is conserved. In addition, this alteration is predicted to be deleterious by in silico analysis. Since supporting evidence is limited at this time, the clinical significance of this alteration remains unclear.

Labcorp Genetics (formerly Invitae), Labcorp
Classification: Uncertain significance for Distal myopathy with posterior leg and anterior hand involvement; Myofibrillar myopathy 5; Hypertrophic cardiomyopathy 26. Last evaluated: 2024-07-23. Review status: criteria provided, single submitter. Criteria: Invitae Variant Classification Sherloc (09022015). Collection method: clinical testing. Allele origin: germline.
Comment: This sequence change replaces proline, which is neutral and non-polar, with serine, which is neutral and polar, at codon 1941 of the FLNC protein (p.Pro1941Ser). This variant is not present in population databases (gnomAD no frequency). This variant has not been reported in the literature in individuals affected with FLNC-related conditions. ClinVar contains an entry for this variant (Variation ID: 1749899). Advanced modeling of protein sequence and biophysical properties (such as structural, functional, and spatial information, amino acid conservation, physicochemical variation, residue mobility, and thermodynamic stability) has been performed at Invitae for this missense variant, however the output from this modeling did not meet the statistical confidence thresholds required to predict the impact of this variant on FLNC protein function. In summary, the available evidence is currently insufficient to determine the role of this variant in disease. Therefore, it has been classified as a Variant of Uncertain Significance.